The following is an entry in ClinVar:

NM_005918.4(MDH2):c.273A>C (p.Lys91Asn)

Gene: MDH2 (malate dehydrogenase 2; plus strand). Cytogenetic location: 7q11.23.
Variant type: single nucleotide variant.
Coding change: c.273A>C on transcript NM_005918.4 (MANE Select); coding-DNA position 273, A replaced by C.
Protein change: p.Lys91Asn; replaces lysine 91 with asparagine.
Molecular consequence: missense variant. On other transcripts: 5 prime UTR variant (1).
Genome position (GRCh38, 1-based): chr7:76,057,447, A>C. VCF-style: chr7-76057447-A-C. GRCh37 (hg19) VCF-style: chr7-75686765-A-C.
Other names: c.273A>C, p.Lys91Asn (NM_001282403.2); c.-49A>C (NM_001282404.2); short protein forms K91N.
Identifiers: ClinVar variation 3394046 (VCV003394046.1).
Genomic context (GRCh38, chr7:76,057,447, plus strand): 5'-CTCTTGTGGGGTGTTTGTTCTAGGCTACCTCGGACCTGAACAGCTGCCTGACTGCCTGAA[A>C]GGTTGTGATGTGGTAGTTATTCCGGCTGGAGTCCCCAGAAAGCCAGGTTTGTGTTTGAAA-3'
Protein context (NP_005909.2, residues 81-101): LGPEQLPDCL[Lys91Asn]GCDVVVIPAG

ClinVar aggregate classification (germline): Uncertain significance (1 of 4 stars; one submission).

Conditions:
Inborn genetic diseases. Identifiers: MedGen C0950123, MeSH D030342.

Submission:

Ambry Genetics
Classification: Uncertain significance for Inborn genetic diseases. Last evaluated: 2024-11-16. Review status: criteria provided, single submitter. Criteria: Ambry Variant Classification Scheme 2023. Collection method: clinical testing. Allele origin: germline.
Comment: The p.K91N variant (also known as c.273A>C), located in coding exon 3 of the MDH2 gene, results from an A to C substitution at nucleotide position 273. The lysine at codon 91 is replaced by asparagine, an amino acid with similar properties. This amino acid position is conserved. In addition, this alteration is predicted to be tolerated by in silico analysis. Based on the available evidence, the clinical significance of this variant remains unclear.